The following is an entry in ClinVar:

ClinVar aggregate classification (germline): Uncertain significance (1 of 4 stars; one submission).

Submission:

GeneDx
Classification: Uncertain significance. Last evaluated: 2013-10-23. Review status: criteria provided, single submitter. Criteria: GeneDx Variant Classification (06012015). Collection method: clinical testing. Allele origin: germline. Affected: yes.
Comment: c.154_155delinsTT: p.Ala52Leu (A52L) in exon 1 of the GAMT gene (NM_000156.4). The normal sequence with the deleted bases in braces and the inserted bases in brackets is: GCAC{delGC}[insTT]GCTG. The c.154_155delGCinsTT variant has not been published as a mutation, nor has it been reported as a benign polymorphism to our knowledge. It stems from a 2 nucleotide replacement (GC replaced with TT) on one GAMT allele (changes are in cis), leading to a missense change denoted Ala52Leu (A52L) at the protein level. This amino acid substitution is conservative as both Alanine and Leucine are uncharged, non-polar amino acid residues. Ala52Leu alters a poorly conserved position in the GAMT protein and in-silico analysis predicts it is likely benign. However, other missense mutations at nearby codons have been reported in association with GAMT deficiency. Therefore, based on the currently available information, c.154_155delGCinsTT (A52L) is likely a benign variant, but we cannot exclude the possibility it is pathogenic. The variant is found in INFANT-EPI panel(s).

NM_000156.6(GAMT):c.154_155delinsTT (p.Ala52Leu)

Genes: GAMT (guanidinoacetate N-methyltransferase; minus strand), LOC130062945 (ATAC-STARR-seq lymphoblastoid silent region 9707; plus strand). Cytogenetic location: 19p13.3.
Variant type: Indel.
Coding change: c.154_155delinsTT on transcript NM_000156.6 (MANE Select); coding-DNA positions 154 to 155, GC replaced by TT.
Protein change: p.Ala52Leu; replaces alanine 52 with leucine.
Molecular consequence: missense variant.
Genome position (GRCh38, 1-based): chr19:1,401,322-1,401,323, GC replaced by AA on the plus strand (GC replaced by TT on the coding strand, the reverse complement: GAMT is on the minus strand). VCF-style: chr19-1401322-GC-AA. GRCh37 (hg19) VCF-style: chr19-1401321-GC-AA.
Other names: p.A52L:GCG>TTG; c.154_155delinsTT, p.Ala52Leu (NM_138924.3); short protein forms A52L.
Identifiers: ClinVar variation 205603 (VCV000205603.1), dbSNP rs796052533, ClinGen allele CA314850.